The following is an entry in ClinVar:

NM_017947.4(MOCOS):c.1349G>C (p.Cys450Ser)

Gene: MOCOS (molybdenum cofactor sulfurase; plus strand). Cytogenetic location: 18q12.2.
Variant type: single nucleotide variant.
Coding change: c.1349G>C on transcript NM_017947.4 (MANE Select); coding-DNA position 1349, G replaced by C.
Protein change: p.Cys450Ser; replaces cysteine 450 with serine.
Molecular consequence: missense variant.
Genome position (GRCh38, 1-based): chr18:36,215,529, G>C. VCF-style: chr18-36215529-G-C. GRCh37 (hg19) VCF-style: chr18-33795492-G-C.
Other names: short protein forms C450S.
Identifiers: ClinVar variation 1411316 (VCV001411316.6), dbSNP rs896398393, ClinGen allele CA298664142.

ClinVar aggregate classification (germline): Uncertain significance (1 of 4 stars; one submission).

Conditions:
Xanthinuria type II. Also called: Xanthine dehydrogenase and aldehyde oxidase combined deficiency of; XDH and AOX dual deficiency. Identifiers: Orphanet 3467, Orphanet 93602, MedGen C1863688, MONDO:0011346, OMIM 603592.

Allele frequency attached by ClinVar (database versions not stated): gnomAD 0.00001; TOPMed 0.00001.
gnomAD v4.1: 4 of 1,613,894 alleles (0.00025%); highest among the groups gnomAD compares: African/African-American, 0.0027%; no homozygotes.

Submission:

Labcorp Genetics (formerly Invitae), Labcorp
Classification: Uncertain significance for Xanthinuria type II. Last evaluated: 2022-06-13. Review status: criteria provided, single submitter. Criteria: Invitae Variant Classification Sherloc (09022015). Collection method: clinical testing. Allele origin: germline.
Comment: This sequence change replaces cysteine, which is neutral and slightly polar, with serine, which is neutral and polar, at codon 450 of the MOCOS protein (p.Cys450Ser). In summary, the available evidence is currently insufficient to determine the role of this variant in disease. Therefore, it has been classified as a Variant of Uncertain Significance. Algorithms developed to predict the effect of missense changes on protein structure and function are either unavailable or do not agree on the potential impact of this missense change (SIFT: "Deleterious"; PolyPhen-2: "Probably Damaging"; Align-GVGD: "Class C0"). This variant has not been reported in the literature in individuals affected with MOCOS-related conditions. This variant is not present in population databases (gnomAD no frequency).